The following is an entry in ClinVar:

ClinVar aggregate classification (germline): Uncertain significance (1 of 4 stars; one submission).

Conditions:
Methylcobalamin deficiency type cblE (HMAE). Also called: VITAMIN B12-RESPONSIVE HOMOCYSTINURIA, cblE TYPE; HOMOCYSTINURIA-MEGALOBLASTIC ANEMIA, cblE COMPLEMENTATION TYPE; HOMOCYSTINURIA-MEGALOBLASTIC ANEMIA, cblE TYPE. Identifiers: Orphanet 2169, Orphanet 622, MedGen C1856057, MONDO:0009354, OMIM 236270.

Submission:

Labcorp Genetics (formerly Invitae), Labcorp
Classification: Uncertain significance for Methylcobalamin deficiency type cblE. Last evaluated: 2025-03-17. Review status: criteria provided, single submitter. Criteria: Invitae Variant Classification Sherloc (09022015). Collection method: clinical testing. Allele origin: germline.
Comment: This sequence change replaces lysine, which is basic and polar, with arginine, which is basic and polar, at codon 561 of the MTRR protein (p.Lys561Arg). This variant is present in population databases (no rsID available, gnomAD 0.0009%). This variant has not been reported in the literature in individuals affected with MTRR-related conditions. ClinVar contains an entry for this variant (Variation ID: 2065152). Invitae Evidence Modeling of protein sequence and biophysical properties (such as structural, functional, and spatial information, amino acid conservation, physicochemical variation, residue mobility, and thermodynamic stability) has been performed for this missense variant. However, the output from this modeling did not meet the statistical confidence thresholds required to predict the impact of this variant on MTRR protein function. In summary, the available evidence is currently insufficient to determine the role of this variant in disease. Therefore, it has been classified as a Variant of Uncertain Significance.

NM_002454.3(MTRR):c.1682A>G (p.Lys561Arg)

Gene: MTRR (5-methyltetrahydrofolate-homocysteine methyltransferase reductase; plus strand). Cytogenetic location: 5p15.31.
Variant type: single nucleotide variant.
Coding change: c.1682A>G on transcript NM_002454.3 (MANE Select); coding-DNA position 1682, A replaced by G.
Protein change: p.Lys561Arg; replaces lysine 561 with arginine.
Molecular consequence: missense variant. On other transcripts: non-coding transcript variant (14).
Genome position (GRCh38, 1-based): chr5:7,896,869, A>G. VCF-style: chr5-7896869-A-G. GRCh37 (hg19) VCF-style: chr5-7896982-A-G.
Other names: c.1682A>G, p.Lys561Arg (NM_001364440.2, NM_001364441.2, NM_001364442.2 and 1 more transcripts); short protein forms K561R.
Identifiers: ClinVar variation 2065152 (VCV002065152.4), dbSNP rs1416953395, ClinGen allele CA359159442.